The following is an entry in ClinVar:

ClinVar aggregate classification (germline): Uncertain significance (1 of 4 stars; one submission).

Conditions:
Birt-Hogg-Dube syndrome. Also called: Birt Hogg Dubé syndrome. Identifiers: Orphanet 122, MedGen C0346010, MONDO:0800444.

Allele frequency attached by ClinVar (database versions not stated): gnomAD exomes below 0.00001; TOPMed below 0.00001.
gnomAD v4.1: 1 of 1,614,220 alleles (0.000062%); highest among the groups gnomAD compares: African/African-American, 0.0013%; no homozygotes.

Submission:

Labcorp Genetics (formerly Invitae), Labcorp
Classification: Uncertain significance for Birt-Hogg-Dube syndrome. Last evaluated: 2019-01-18. Review status: criteria provided, single submitter. Criteria: Invitae Variant Classification Sherloc (09022015). Collection method: clinical testing. Allele origin: germline.
Comment: This variant has not been reported in the literature in individuals with FLCN-related conditions. In summary, the available evidence is currently insufficient to determine the role of this variant in disease. Therefore, it has been classified as a Variant of Uncertain Significance. Algorithms developed to predict the effect of missense changes on protein structure and function are either unavailable or do not agree on the potential impact of this missense change (SIFT: "Tolerated"; PolyPhen-2: "Possibly Damaging"; Align-GVGD: "Class C0"). This variant is not present in population databases (ExAC no frequency). This sequence change replaces glutamic acid with lysine at codon 321 of the FLCN protein (p.Glu321Lys). The glutamic acid residue is moderately conserved and there is a small physicochemical difference between glutamic acid and lysine.

NM_144997.7(FLCN):c.961G>A (p.Glu321Lys)

Gene: FLCN (folliculin; minus strand). Cytogenetic location: 17p11.2.
Variant type: single nucleotide variant.
Coding change: c.961G>A on transcript NM_144997.7 (MANE Select); coding-DNA position 961, G replaced by A.
Protein change: p.Glu321Lys; replaces glutamic acid 321 with lysine.
Molecular consequence: missense variant.
Genome position (GRCh38, 1-based): chr17:17,219,120, C>T on the plus strand (G>A on the coding strand, the complement: FLCN is on the minus strand). VCF-style: chr17-17219120-C-T. GRCh37 (hg19) VCF-style: chr17-17122434-C-T.
Other names: c.1015G>A, p.Glu339Lys (NM_001353229.2); c.961G>A, p.Glu321Lys (NM_001353230.2, NM_001353231.2); short protein forms E339K, E321K.
Identifiers: ClinVar variation 856039 (VCV000856039.7), dbSNP rs2047011877, ClinGen allele CA398532920.